The following is an entry in ClinVar:

ClinVar aggregate classification (germline): Uncertain significance (1 of 4 stars; one submission).

Conditions:
Emery-Dreifuss muscular dystrophy (EDMD). Also called: Scapuloperoneal syndrome, X-linked (formerly); Humeroperoneal neuromuscular disease, (formerly). Identifiers: Orphanet 261, MedGen C0410189, MONDO:0016830.

Allele frequency attached by ClinVar (database versions not stated): TOPMed below 0.00001; ExAC 0.00001; gnomAD exomes 0.00001.
gnomAD v4.1: 17 of 1,614,068 alleles (0.0011%); highest among the groups gnomAD compares: South Asian, 0.0033%; no homozygotes.

Submission:

Labcorp Genetics (formerly Invitae), Labcorp
Classification: Uncertain significance for Emery-Dreifuss muscular dystrophy. Last evaluated: 2025-11-19. Review status: criteria provided, single submitter. Criteria: Invitae Variant Classification Sherloc (09022015). Collection method: clinical testing. Allele origin: germline.
Comment: This sequence change affects codon 583 of the SUN1 mRNA. It is a 'silent' change, meaning that it does not change the encoded amino acid sequence of the SUN1 protein. This variant is present in population databases (rs780539401, gnomAD 0.003%). This variant has not been reported in the literature in individuals affected with SUN1-related conditions. ClinVar contains an entry for this variant (Variation ID: 662141). Algorithms developed to predict the effect of sequence changes on RNA splicing suggest that this variant may create or strengthen a splice site. In summary, the available evidence is currently insufficient to determine the role of this variant in disease. Therefore, it has been classified as a Variant of Uncertain Significance.

NM_001130965.3(SUN1):c.1749C>T (p.Ser583=)

Gene: SUN1 (Sad1 and UNC84 domain containing 1; plus strand). Cytogenetic location: 7p22.3.
Variant type: single nucleotide variant.
Coding change: c.1749C>T on transcript NM_001130965.3 (MANE Select); coding-DNA position 1749, C replaced by T.
Protein change: p.Ser583=; no amino-acid change (serine 583 retained).
Molecular consequence: synonymous variant. On other transcripts: non-coding transcript variant (3).
Genome position (GRCh38, 1-based): chr7:860,352, C>T. VCF-style: chr7-860352-C-T. GRCh37 (hg19) VCF-style: chr7-899989-C-T.
Other names: c.1440C>T, p.Ser480= (NM_001171944.2); c.1749C>T, p.Ser583= (NM_001367633.1, NM_001367634.1, NM_001367653.1); c.1398C>T, p.Ser466= (NM_001367635.1); c.1989C>T, p.Ser663= (NM_001367636.1, NM_001367691.1); c.1857C>T, p.Ser619= (NM_001367638.1); c.1290C>T, p.Ser430= (NM_001367639.1); c.1929C>T, p.Ser643= (NM_001367640.1); c.2031C>T, p.Ser677= (NM_001367641.1, NM_001367682.1); and 43 more.
Identifiers: ClinVar variation 662141 (VCV000662141.8), dbSNP rs780539401, ClinGen allele CA4112345.